The following is an entry in ClinVar:

NM_000215.4(JAK3):c.2408G>A (p.Trp803Ter)

Gene: JAK3 (Janus kinase 3; minus strand). Cytogenetic location: 19p13.11.
Variant type: single nucleotide variant.
Coding change: c.2408G>A on transcript NM_000215.4 (MANE Select); coding-DNA position 2408, G replaced by A.
Protein change: p.Trp803Ter; replaces tryptophan 803 with a stop codon.
Molecular consequence: nonsense.
Genome position (GRCh38, 1-based): chr19:17,832,872, C>T on the plus strand (G>A on the coding strand, the complement: JAK3 is on the minus strand). VCF-style: chr19-17832872-C-T. GRCh37 (hg19) VCF-style: chr19-17943681-C-T.
Other names: short protein forms W803*.
Identifiers: ClinVar variation 2837879 (VCV002837879.3), dbSNP rs2514550384, ClinGen allele CA404766947.

ClinVar aggregate classification (germline): Pathogenic (1 of 4 stars; one submission).

Conditions:
T-B+ severe combined immunodeficiency due to JAK3 deficiency. Also called: SCID, autosomal recessive, T-negative/B-positive type; SCID, T CELL-NEGATIVE, B CELL-POSITIVE, NK CELL-NEGATIVE. Identifiers: Orphanet 35078, MedGen C1833275, MONDO:0010938, OMIM 600802.

Submission:

Labcorp Genetics (formerly Invitae), Labcorp
Classification: Pathogenic for T-B+ severe combined immunodeficiency due to JAK3 deficiency. Last evaluated: 2023-02-16. Review status: criteria provided, single submitter. Criteria: Invitae Variant Classification Sherloc (09022015). Collection method: clinical testing. Allele origin: germline.
Comment: For these reasons, this variant has been classified as Pathogenic. This variant has not been reported in the literature in individuals affected with JAK3-related conditions. This sequence change creates a premature translational stop signal (p.Trp803*) in the JAK3 gene. It is expected to result in an absent or disrupted protein product. Loss-of-function variants in JAK3 are known to be pathogenic (PMID: 7481768, 11668621). This variant is not present in population databases (gnomAD no frequency).

Literature cited by the submitters: PubMed 7481768; PubMed 11668621.